The following is an entry in ClinVar:

ClinVar aggregate classification (germline): Uncertain significance (1 of 4 stars; one submission).

Conditions:
Hereditary spastic paraplegia 46. Also called: Spastic paraplegia 46, autosomal recessive. Identifiers: Orphanet 320391, MedGen C2828721, MONDO:0013737, OMIM 614409.

Submission:

3billion
Classification: Uncertain significance for Hereditary spastic paraplegia 46. Last evaluated: 2024-07-05. Review status: criteria provided, single submitter. Criteria: ACMG Guidelines, 2015. Collection method: clinical testing. Allele origin: germline. Affected: yes.
Comment: The variant is not observed in the gnomAD v4.0.0 dataset. Predicted Consequence/Location: The majority of the known disease-causing variants of this gene are variants expected to result in premature termination of the protein. In silico tools predict the variant to alter splicing and produce an abnormal transcript [SpliceAI: 0.61 (>=0.2, moderate evidence for spliceogenicity)]. Therefore, this variant is classified as VUS according to the recommendation of ACMG/AMP guideline.

NM_020944.3(GBA2):c.572C>G (p.Thr191Arg)

Gene: GBA2 (glucosylceramidase beta 2; minus strand). Cytogenetic location: 9p13.3.
Variant type: single nucleotide variant.
Coding change: c.572C>G on transcript NM_020944.3 (MANE Select); coding-DNA position 572, C replaced by G.
Protein change: p.Thr191Arg; replaces threonine 191 with arginine.
Molecular consequence: missense variant.
Genome position (GRCh38, 1-based): chr9:35,741,886, G>C on the plus strand (C>G on the coding strand, the complement: GBA2 is on the minus strand). VCF-style: chr9-35741886-G-C. GRCh37 (hg19) VCF-style: chr9-35741883-G-C.
Other names: c.572C>G, p.Thr191Arg (NM_001330660.2); short protein forms T191R.
Identifiers: ClinVar variation 4292091 (VCV004292091.1).